The following is an entry in ClinVar:

NM_004304.5(ALK):c.953G>A (p.Gly318Asp)

Gene: ALK (ALK receptor tyrosine kinase; minus strand). Cytogenetic location: 2p23.2.
Variant type: single nucleotide variant.
Coding change: c.953G>A on transcript NM_004304.5 (MANE Select); coding-DNA position 953, G replaced by A.
Protein change: p.Gly318Asp; replaces glycine 318 with aspartic acid.
Molecular consequence: missense variant.
Genome position (GRCh38, 1-based): chr2:29,532,116, C>T on the plus strand (G>A on the coding strand, the complement: ALK is on the minus strand). VCF-style: chr2-29532116-C-T. GRCh37 (hg19) VCF-style: chr2-29754982-C-T.
Other names: short protein forms G318D.
Identifiers: ClinVar variation 538212 (VCV000538212.11), dbSNP rs770893847, ClinGen allele CA44957104.
Genomic context (GRCh38, chr2:29,532,116, plus strand): 5'-ATCCACGGACTCAGGATGGTGTGCTTGGAGTCAGCTGAGGTGTTGAGAAGGAGAAAGGAG[C>T]CTGGAAAGAGACAGGGAAAACGAATCTGCAGATGTGTTCAGGTAAGACCAGCAGTAGCTC-3'
Protein context (NP_004295.2, residues 308-328): GAERSKEMPR[Gly318Asp]SFLLLNTSAD

ClinVar aggregate classification (germline): Uncertain significance. Review status: criteria provided, multiple submitters, no conflicts (2 of 4 stars). 4 submissions from 4 submitters: Uncertain significance (4). Last evaluated 2025-12-22.

Conditions:
Hereditary cancer-predisposing syndrome. Also called: Neoplastic Syndromes, Hereditary; Tumor predisposition; Hereditary Cancer Syndrome; Hereditary neoplastic syndrome. Identifiers: Orphanet 140162, MedGen C0027672, MeSH D009386, MONDO:0015356.
Neuroblastoma, susceptibility to, 3. Also called: ALK-Related Neuroblastic Tumor Susceptibility. Identifiers: Orphanet 635, MedGen C2751681, MONDO:0013083, OMIM 613014.

gnomAD v4.1: 11 of 1,613,788 alleles (0.00068%); highest among the groups gnomAD compares: Non-Finnish European, 0.00085%; no homozygotes.

Submissions (4):

Labcorp Genetics (formerly Invitae), Labcorp
Classification: Uncertain significance for Neuroblastoma, susceptibility to, 3. Last evaluated: 2025-12-22. Review status: criteria provided, single submitter. Criteria: Invitae Variant Classification Sherloc (09022015). Collection method: clinical testing. Allele origin: germline.
Comment: This sequence change replaces glycine, which is neutral and non-polar, with aspartic acid, which is acidic and polar, at codon 318 of the ALK protein (p.Gly318Asp). This variant is not present in population databases (gnomAD no frequency). This variant has not been reported in the literature in individuals affected with ALK-related conditions. ClinVar contains an entry for this variant (Variation ID: 538212). An algorithm developed to predict the effect of missense changes on protein structure and function (PolyPhen-2) suggests that this variant is likely to be disruptive. In summary, the available evidence is currently insufficient to determine the role of this variant in disease. Therefore, it has been classified as a Variant of Uncertain Significance.

Ambry Genetics
Classification: Uncertain significance for Hereditary cancer-predisposing syndrome. Last evaluated: 2025-05-02. Review status: criteria provided, single submitter. Criteria: Ambry Variant Classification Scheme 2023. Collection method: clinical testing. Allele origin: germline.
Comment: The p.G318D variant (also known as c.953G>A) is located in coding exon 4 of the ALK gene. The glycine at codon 318 is replaced by aspartic acid, an amino acid with similar properties. This change occurs in the first base pair of coding exon 4. This amino acid position is conserved. In addition, the in silico prediction for this alteration is inconclusive. Since supporting evidence is limited at this time, the clinical significance of this alteration remains unclear.

Blueprint Genetics
Classification: Uncertain significance. Last evaluated: 2024-06-17. Review status: criteria provided, single submitter. Criteria: ACMG Guidelines, 2015. Collection method: clinical testing. Allele origin: germline.

Baylor Genetics
Classification: Uncertain significance for Neuroblastoma, susceptibility to, 3. Last evaluated: 2023-05-26. Review status: criteria provided, single submitter. Criteria: ACMG Guidelines, 2015. Collection method: clinical testing. Allele origin: unknown.